The following is an entry in ClinVar:

NM_018671.5(UNC45A):c.1315A>T (p.Met439Leu)

Gene: UNC45A (unc-45 myosin chaperone A; plus strand). Cytogenetic location: 15q26.1.
Variant type: single nucleotide variant.
Coding change: c.1315A>T on transcript NM_018671.5 (MANE Select); coding-DNA position 1315, A replaced by T.
Protein change: p.Met439Leu; replaces methionine 439 with leucine.
Molecular consequence: missense variant.
Genome position (GRCh38, 1-based): chr15:90,946,729, A>T. VCF-style: chr15-90946729-A-T. GRCh37 (hg19) VCF-style: chr15-91489959-A-T.
Other names: c.1270A>T, p.Met424Leu (NM_001039675.2, NM_001323621.2); c.1315A>T, p.Met439Leu (NM_001323619.1); c.880A>T, p.Met294Leu (NM_001323620.2); short protein forms M294L, M439L, M424L.
Identifiers: ClinVar variation 2153376 (VCV002153376.2), dbSNP rs765596539, ClinGen allele CA7742866.

ClinVar aggregate classification (germline): Uncertain significance (1 of 4 stars; one submission).

Allele frequency attached by ClinVar (database versions not stated): ExAC 0.00001; gnomAD exomes 0.00001; TOPMed 0.00001.
gnomAD v4.1: 11 of 1,613,766 alleles (0.00068%); highest among the groups gnomAD compares: South Asian, 0.0011%; no homozygotes.

Submission:

Labcorp Genetics (formerly Invitae), Labcorp
Classification: Uncertain significance. Last evaluated: 2022-04-24. Review status: criteria provided, single submitter. Criteria: Invitae Variant Classification Sherloc (09022015). Collection method: clinical testing. Allele origin: germline.
Comment: This sequence change replaces methionine, which is neutral and non-polar, with leucine, which is neutral and non-polar, at codon 439 of the UNC45A protein (p.Met439Leu). This variant is present in population databases (rs765596539, gnomAD 0.003%). This variant has not been reported in the literature in individuals affected with UNC45A-related conditions. Algorithms developed to predict the effect of missense changes on protein structure and function are either unavailable or do not agree on the potential impact of this missense change (SIFT: "Not Available"; PolyPhen-2: "Benign"; Align-GVGD: "Not Available"). In summary, the available evidence is currently insufficient to determine the role of this variant in disease. Therefore, it has been classified as a Variant of Uncertain Significance.